The following is an entry in ClinVar:

ClinVar aggregate classification (germline): Uncertain significance. Review status: criteria provided, multiple submitters, no conflicts (2 of 4 stars). 2 submissions from 2 submitters: Uncertain significance (2). Last evaluated 2026-01-05.

Conditions:
Inborn genetic diseases. Identifiers: MedGen C0950123, MeSH D030342.

Allele frequency attached by ClinVar (database versions not stated): gnomAD 0.00001; ExAC 0.00002; TOPMed 0.00002.
gnomAD v4.1: 22 of 1,613,782 alleles (0.0014%); highest among the groups gnomAD compares: Admixed American, 0.015%; 1 homozygote.

Submissions (2):

Labcorp Genetics (formerly Invitae), Labcorp
Classification: Uncertain significance. Last evaluated: 2026-01-05. Review status: criteria provided, single submitter. Criteria: Invitae Variant Classification Sherloc (09022015). Collection method: clinical testing. Allele origin: germline.
Comment: This sequence change replaces arginine, which is basic and polar, with tryptophan, which is neutral and slightly polar, at codon 129 of the CAD protein (p.Arg129Trp). The frequency data for this variant in the population databases is considered unreliable, as metrics indicate poor data quality at this position in the gnomAD database. This variant has not been reported in the literature in individuals affected with CAD-related conditions. ClinVar contains an entry for this variant (Variation ID: 1916349). Invitae Evidence Modeling of protein sequence and biophysical properties (such as structural, functional, and spatial information, amino acid conservation, physicochemical variation, residue mobility, and thermodynamic stability) indicates that this missense variant is expected to disrupt CAD protein function with a positive predictive value of 80%. In summary, the available evidence is currently insufficient to determine the role of this variant in disease. Therefore, it has been classified as a Variant of Uncertain Significance.

Ambry Genetics
Classification: Uncertain significance for Inborn genetic diseases. Last evaluated: 2024-01-03. Review status: criteria provided, single submitter. Criteria: Ambry Variant Classification Scheme 2023. Collection method: clinical testing. Allele origin: germline.

NM_004341.5(CAD):c.385C>T (p.Arg129Trp)

Gene: CAD (carbamoyl-phosphate synthetase 2, aspartate transcarbamylase, and dihydroorotase; plus strand). Cytogenetic location: 2p23.3.
Variant type: single nucleotide variant.
Coding change: c.385C>T on transcript NM_004341.5 (MANE Select); coding-DNA position 385, C replaced by T.
Protein change: p.Arg129Trp; replaces arginine 129 with tryptophan.
Molecular consequence: missense variant.
Genome position (GRCh38, 1-based): chr2:27,222,226, C>T. VCF-style: chr2-27222226-C-T. GRCh37 (hg19) VCF-style: chr2-27445094-C-T.
Other names: c.385C>T, p.Arg129Trp (NM_001306079.2); c.385C>T (NM_004341.3); short protein forms R129W.
Identifiers: ClinVar variation 1916349 (VCV001916349.4), dbSNP rs766834759, ClinGen allele CA1572406.